The following is an entry in ClinVar:

NM_001130987.2(DYSF):c.239+16G>C

Gene: DYSF (dysferlin; plus strand). Cytogenetic location: 2p13.2.
Variant type: single nucleotide variant.
Coding change: c.239+16G>C on transcript NM_001130987.2 (MANE Select); 16 bases into the intron after coding-DNA position 239, G replaced by C.
Molecular consequence: intron variant.
Genome position (GRCh38, 1-based): chr2:71,481,986, G>C. VCF-style: chr2-71481986-G-C. GRCh37 (hg19) VCF-style: chr2-71709116-G-C.
Other names: c.236+16G>C (NM_001130979.2, NM_001130981.2, NM_001130980.2 and 4 more transcripts); c.239+16G>C (NM_001130982.2, NM_001130985.2, NM_001130983.2 and 3 more transcripts).
Identifiers: ClinVar variation 510044 (VCV000510044.8), dbSNP rs370433490, ClinGen allele CA1705270.

ClinVar aggregate classification (germline): Likely benign. Review status: criteria provided, multiple submitters, no conflicts (2 of 4 stars). 2 submissions from 2 submitters: Likely benign (2). Last evaluated 2026-01-04.

Conditions:
Neuromuscular disease caused by qualitative or quantitative defects of dysferlin. Also called: Dysferlinopathy; Qualitative or quantitative defects of dysferlin. Identifiers: Orphanet 207073, MedGen C2931687, MONDO:0016145.

Allele frequency attached by ClinVar (database versions not stated): TOPMed 0.00015; ESP Exome Variant Server 0.00031.
gnomAD v4.1: 465 of 1,609,238 alleles (0.029%); highest among the groups gnomAD compares: Non-Finnish European, 0.035%; 2 homozygotes.

Submissions (2):

Labcorp Genetics (formerly Invitae), Labcorp
Classification: Likely benign for Neuromuscular disease caused by qualitative or quantitative defects of dysferlin. Last evaluated: 2026-01-04. Review status: criteria provided, single submitter. Criteria: Invitae Variant Classification Sherloc (09022015). Collection method: clinical testing. Allele origin: germline.

GeneDx
Classification: Likely benign. Last evaluated: 2018-02-16. Review status: criteria provided, single submitter. Criteria: GeneDx Variant Classification (06012015). Collection method: clinical testing. Allele origin: germline. Affected: yes.
Comment: This variant is considered likely benign or benign based on one or more of the following criteria: it is a conservative change, it occurs at a poorly conserved position in the protein, it is predicted to be benign by multiple in silico algorithms, and/or has population frequency not consistent with disease.